The following is an entry in ClinVar:

ClinVar aggregate classification (germline): Benign/Likely benign. Review status: criteria provided, multiple submitters, no conflicts (2 of 4 stars). 7 submissions from 7 submitters: Benign (1); Likely benign (6). Last evaluated 2026-04-06.

Conditions:
Autosomal recessive severe congenital neutropenia due to CSF3R deficiency. Also called: Neutropenia, severe congenital, 7, autosomal recessive. Identifiers: Orphanet 420702, MedGen C4310764, MONDO:0014865, OMIM 617014.

Allele frequency attached by ClinVar (database versions not stated): gnomAD exomes 0.00015 and 0.00038; ExAC 0.00043; ESP Exome Variant Server 0.00115; 1000 Genomes Project 0.00140; gnomAD 0.00149 and 0.00158; 1000 Genomes Project 30x 0.00172; TOPMed 0.00177.
gnomAD v4.1: 465 of 1,614,246 alleles (0.029%); highest among the groups gnomAD compares: African/African-American, 0.49%; no homozygotes.

Submissions (7):

Women's Health and Genetics/Laboratory Corporation of America, LabCorp
Classification: Likely benign. Last evaluated: 2026-04-06. Review status: criteria provided, single submitter. Criteria: LabCorp Variant Classification Summary - May 2015. Collection method: clinical testing. Allele origin: germline.

Labcorp Genetics (formerly Invitae), Labcorp
Classification: Benign for Autosomal recessive severe congenital neutropenia due to CSF3R deficiency. Last evaluated: 2026-01-21. Review status: criteria provided, single submitter. Criteria: Invitae Variant Classification Sherloc (09022015). Collection method: clinical testing. Allele origin: germline.

CeGaT Center for Human Genetics Tuebingen
Classification: Likely benign. Last evaluated: 2025-06-01. Review status: criteria provided, single submitter. Criteria: CeGaT Center For Human Genetics Tuebingen Variant Classification Criteria Version 2. Collection method: clinical testing. Allele origin: germline. Affected: yes. Observed: 1 variant allele.
Comment: CSF3R: BP4, BP7

Blueprint Genetics
Classification: Likely benign. Last evaluated: 2024-11-11. Review status: criteria provided, single submitter. Criteria: ACMG Guidelines, 2015. Collection method: clinical testing. Allele origin: germline.

Mayo Clinic Laboratories, Mayo Clinic
Classification: Likely benign. Last evaluated: 2024-10-10. Review status: criteria provided, single submitter. Criteria: ACMG Guidelines, 2015. Collection method: clinical testing. Allele origin: germline. Observed: 2 variant alleles.
Comment: BS1, BP4, BP7

Genetic Services Laboratory, University of Chicago
Classification: Likely benign. Last evaluated: 2021-07-27. Review status: criteria provided, single submitter. Criteria: ACMG Guidelines, 2015. Collection method: clinical testing. Allele origin: germline. Affected: no.

Breakthrough Genomics
Classification: Likely benign. Review status: criteria provided, single submitter. Criteria: ACMG Guidelines, 2015. Collection method: not provided. Allele origin: germline. Inheritance: Autosomal recessive inheritance. Affected: yes.

Literature cited by the submitters: PubMed 23896413 (cited by Women's Health and Genetics/Laboratory Corporation of America, LabCorp); PubMed 28302714 (cited by Women's Health and Genetics/Laboratory Corporation of America, LabCorp); PubMed 24627528 (cited by Women's Health and Genetics/Laboratory Corporation of America, LabCorp); PubMed 23656643 (cited by Women's Health and Genetics/Laboratory Corporation of America, LabCorp); PubMed 23604229 (cited by Women's Health and Genetics/Laboratory Corporation of America, LabCorp); PubMed 27069254 (cited by Women's Health and Genetics/Laboratory Corporation of America, LabCorp).

NM_000760.4(CSF3R):c.1689C>A (p.Thr563=)

Gene: CSF3R (colony stimulating factor 3 receptor; minus strand). Cytogenetic location: 1p34.3.
Variant type: single nucleotide variant.
Coding change: c.1689C>A on transcript NM_000760.4 (MANE Select); coding-DNA position 1689, C replaced by A.
Protein change: p.Thr563=; no amino-acid change (threonine 563 retained).
Molecular consequence: synonymous variant.
Genome position (GRCh38, 1-based): chr1:36,468,109, G>T on the plus strand (C>A on the coding strand, the complement: CSF3R is on the minus strand). VCF-style: chr1-36468109-G-T. GRCh37 (hg19) VCF-style: chr1-36933710-G-T.
Other names: p.Thr563=; c.1689C>A, p.Thr563= (LRG_144t1, NM_156039.3, NM_172313.3).
Identifiers: ClinVar variation 476294 (VCV000476294.27), dbSNP rs113047241, ClinGen allele CA769114.